The following is an entry in ClinVar:

ClinVar aggregate classification (germline): Uncertain significance. Review status: criteria provided, multiple submitters, no conflicts (2 of 4 stars). 2 submissions from 2 submitters: Uncertain significance (2). Last evaluated 2026-01-01.

Conditions:
Developmental and epileptic encephalopathy 94 (DEE94). Also called: Epileptic encephalopathy, childhood-onset; CHD2-Related Neurodevelopmental Disorders. Identifiers: Orphanet 1942, Orphanet 2382, MedGen C3809278, MONDO:0014150, OMIM 615369.

Submissions (2):

CeGaT Center for Human Genetics Tuebingen
Classification: Uncertain significance. Last evaluated: 2026-01-01. Review status: criteria provided, single submitter. Criteria: CeGaT Center For Human Genetics Tuebingen Variant Classification Criteria Version 2. Collection method: clinical testing. Allele origin: germline. Affected: yes. Observed: 1 variant allele.
Comment: CHD2: PM2

Labcorp Genetics (formerly Invitae), Labcorp
Classification: Uncertain significance for Developmental and epileptic encephalopathy 94. Last evaluated: 2023-05-28. Review status: criteria provided, single submitter. Criteria: Invitae Variant Classification Sherloc (09022015). Collection method: clinical testing. Allele origin: germline.
Comment: This sequence change replaces histidine, which is basic and polar, with arginine, which is basic and polar, at codon 1596 of the CHD2 protein (p.His1596Arg). This variant is not present in population databases (gnomAD no frequency). This variant has not been reported in the literature in individuals affected with CHD2-related conditions. Advanced modeling of protein sequence and biophysical properties (such as structural, functional, and spatial information, amino acid conservation, physicochemical variation, residue mobility, and thermodynamic stability) performed at Invitae indicates that this missense variant is not expected to disrupt CHD2 protein function. In summary, the available evidence is currently insufficient to determine the role of this variant in disease. Therefore, it has been classified as a Variant of Uncertain Significance.

NM_001271.4(CHD2):c.4787A>G (p.His1596Arg)

Gene: CHD2 (chromodomain helicase DNA binding protein 2; plus strand). Cytogenetic location: 15q26.1.
Variant type: single nucleotide variant.
Coding change: c.4787A>G on transcript NM_001271.4 (MANE Select); coding-DNA position 4787, A replaced by G.
Protein change: p.His1596Arg; replaces histidine 1596 with arginine.
Molecular consequence: missense variant.
Genome position (GRCh38, 1-based): chr15:93,014,790, A>G. VCF-style: chr15-93014790-A-G. GRCh37 (hg19) VCF-style: chr15-93558020-A-G.
Other names: short protein forms H1596R.
Identifiers: ClinVar variation 2912164 (VCV002912164.7), dbSNP rs2505629848, ClinGen allele CA393906252.